The following is an entry in ClinVar:

NM_001385.3(DPYS):c.662G>A (p.Arg221His)

Gene: DPYS (dihydropyrimidinase; minus strand). Cytogenetic location: 8q22.3.
Variant type: single nucleotide variant.
Coding change: c.662G>A on transcript NM_001385.3 (MANE Select); coding-DNA position 662, G replaced by A.
Protein change: p.Arg221His; replaces arginine 221 with histidine.
Molecular consequence: missense variant.
Genome position (GRCh38, 1-based): chr8:104,444,379, C>T on the plus strand (G>A on the coding strand, the complement: DPYS is on the minus strand). VCF-style: chr8-104444379-C-T. GRCh37 (hg19) VCF-style: chr8-105456607-C-T.
Other names: short protein forms R221H.
Identifiers: ClinVar variation 5007262 (VCV005007262.2).

ClinVar aggregate classification (germline): Uncertain significance (1 of 4 stars; one submission).

Conditions:
Dihydropyrimidinase deficiency (DPYSD). Also called: dihydropyrimidinuria; DPH DEFICIENCY; DPYS DEFICIENCY. Identifiers: Orphanet 38874, MedGen C0342803, MONDO:0009111, OMIM 222748.

gnomAD v4.1: 28 of 1,614,200 alleles (0.0017%); highest among the groups gnomAD compares: Admixed American, 0.0033%; no homozygotes.

Submission:

Juno Genomics, Hangzhou Juno Genomics, Inc
Classification: Uncertain significance for Dihydropyrimidinase deficiency. Review status: criteria provided, single submitter. Criteria: ACMG Guidelines, 2015. Collection method: clinical testing. Allele origin: germline.
Comment: Absent from controls (or at extremely low frequency if recessive) in Genome Aggregation Database.;Multiple lines of computational evidence support a deleterious effect on the gene or gene product.